The following is an entry in ClinVar:

NM_024757.5(EHMT1):c.36G>C (p.Arg12Ser)

Gene: EHMT1 (euchromatic histone lysine methyltransferase 1; plus strand). Cytogenetic location: 9q34.3.
Variant type: single nucleotide variant.
Coding change: c.36G>C on transcript NM_024757.5 (MANE Select); coding-DNA position 36, G replaced by C.
Protein change: p.Arg12Ser; replaces arginine 12 with serine.
Molecular consequence: missense variant. On other transcripts: intron variant (2).
Genome position (GRCh38, 1-based): chr9:137,710,981, G>C. VCF-style: chr9-137710981-G-C. GRCh37 (hg19) VCF-style: chr9-140605433-G-C.
Other names: c.36G>C, p.Arg12Ser (NM_001145527.2, NM_001354263.2, NM_001354611.2); c.-8-5645G>C (NM_001354259.2, NM_001354612.2); short protein forms R12S.
Identifiers: ClinVar variation 1933097 (VCV001933097.4), dbSNP rs1025787561, ClinGen allele CA375759562.

ClinVar aggregate classification (germline): Uncertain significance (1 of 4 stars; one submission).

Conditions:
Kleefstra syndrome 1 (KLEFS1). Identifiers: Orphanet 261494, MedGen C0795833, MONDO:0027407, OMIM 610253.

Allele frequency attached by ClinVar (database versions not stated): gnomAD exomes below 0.00001; TOPMed 0.00003.
gnomAD v4.1: 11 of 1,598,648 alleles (0.00069%); highest among the groups gnomAD compares: Admixed American, 0.0069%; no homozygotes.

Submission:

Labcorp Genetics (formerly Invitae), Labcorp
Classification: Uncertain significance for Kleefstra syndrome 1. Last evaluated: 2023-08-10. Review status: criteria provided, single submitter. Criteria: Invitae Variant Classification Sherloc (09022015). Collection method: clinical testing. Allele origin: germline.
Comment: In summary, the available evidence is currently insufficient to determine the role of this variant in disease. Therefore, it has been classified as a Variant of Uncertain Significance. An algorithm developed to predict the effect of missense changes on protein structure and function (PolyPhen-2) suggests that this variant¬†is likely to be tolerated. ClinVar contains an entry for this variant (Variation ID: 1933097). This variant has not been reported in the literature in individuals affected with EHMT1-related conditions. This variant is present in population databases (no rsID available, gnomAD 0.005%). This sequence change replaces arginine, which is basic and polar, with serine, which is neutral and polar, at codon 12 of the EHMT1 protein (p.Arg12Ser).